The following is an entry in ClinVar:

ClinVar aggregate classification (germline): Conflicting classifications of pathogenicity. Review status: criteria provided, conflicting classifications (1 of 4 stars). 9 submissions from 9 submitters: Uncertain significance (6); Benign (1); Likely benign (2). Last evaluated 2026-02-11.

Conditions:
MSH6-related disorder. Also called: MSH6-related condition; MSH6-Related disorders.
Hereditary nonpolyposis colorectal neoplasms. Identifiers: MedGen C0009405, MeSH D003123.
Hereditary cancer-predisposing syndrome. Also called: Neoplastic Syndromes, Hereditary; Hereditary Cancer Syndrome; Tumor predisposition; Hereditary neoplastic syndrome. Identifiers: Orphanet 140162, MedGen C0027672, MeSH D009386, MONDO:0015356.
Lynch syndrome 5 (LYNCH5). Also called: Colorectal cancer, hereditary nonpolyposis, type 5; Hereditary non-polyposis colorectal cancer, type 5. Identifiers: Orphanet 144, MedGen C1833477, MONDO:0013710, OMIM 614350. Disease mechanism: loss of function.
Endometrial carcinoma. Also called: Endometrial carcinoma, somatic. Identifiers: MedGen C0476089, MONDO:0002447, OMIM 608089, HP:0012114.

Allele frequency attached by ClinVar (database versions not stated): gnomAD 0.00001 and 0.00002.

Submissions (9):

PreventionGenetics, part of Exact Sciences
Classification: Uncertain significance for MSH6-related condition. Last evaluated: 2026-02-11. Review status: criteria provided, single submitter. Criteria: ACMG Guidelines, 2015. Collection method: clinical testing. Allele origin: germline.
Comment: The MSH6 c.257C>T variant is predicted to result in the amino acid substitution p.Thr86Ile. This variant has been reported in the literature in an individual with early onset colorectal cancer (eTable 2, Pearlman et al. 2017. PubMed ID: 27978560). This variant is absent in a large population database (gnomAD), indicating this variant is rare. This variant has conflicting interpretations in ClinVar ranging from uncertain to benign (Variation ID: 480918). Although we suspect that this variant may be benign, at this time, the clinical significance of this variant is uncertain due to the absence of conclusive functional and genetic evidence.

Labcorp Genetics (formerly Invitae), Labcorp
Classification: Benign for Hereditary nonpolyposis colorectal neoplasms. Last evaluated: 2025-10-26. Review status: criteria provided, single submitter. Criteria: Invitae Variant Classification Sherloc (09022015). Collection method: clinical testing. Allele origin: germline.

Ambry Genetics
Classification: Uncertain significance for Hereditary cancer-predisposing syndrome. Last evaluated: 2024-05-16. Review status: criteria provided, single submitter. Criteria: Ambry Variant Classification Scheme 2023. Collection method: clinical testing. Allele origin: germline.
Comment: The p.T86I variant (also known as c.257C>T), located in coding exon 1 of the MSH6 gene, results from a C to T substitution at nucleotide position 257. The threonine at codon 86 is replaced by isoleucine, an amino acid with similar properties. This alteration has been previously identified in an individual from a North American cohort of individuals with early onset colon cancer. (Pearlman R et al. JAMA Oncol, 2017 Apr;3:464-471). This amino acid position is poorly conserved in available vertebrate species. In addition, this alteration is predicted to be tolerated by in silico analysis. Since supporting evidence is limited at this time, the clinical significance of this alteration remains unclear.

GeneDx
Classification: Uncertain significance. Last evaluated: 2024-03-28. Review status: criteria provided, single submitter. Criteria: GeneDx Variant Classification Process June 2021. Collection method: clinical testing. Allele origin: germline. Affected: yes.
Comment: Not observed at significant frequency in large population cohorts (gnomAD); In silico analysis supports that this missense variant does not alter protein structure/function; Observed in an individual with mismatch repair-proficient colon cancer (PMID: 27978560); This variant is associated with the following publications: (PMID: 31852831, 27978560)

Baylor Genetics
Classification: Uncertain significance for Endometrial carcinoma. Last evaluated: 2023-12-07. Review status: criteria provided, single submitter. Criteria: ACMG Guidelines, 2015. Collection method: clinical testing. Allele origin: unknown.

Myriad Genetics, Inc.
Classification: Likely benign for Lynch syndrome 5. Last evaluated: 2023-02-16. Review status: criteria provided, single submitter. Criteria: Myriad Autosomal Dominant, Autosomal Recessive and X-Linked Classification Criteria (2023). Collection method: clinical testing. Allele origin: unknown.
Comment: This variant is considered likely benign. This variant has been observed in trans with a known pathogenic variant in one or more individuals lacking clinical features consistent with gene-specific recessive disease.

Women's Health and Genetics/Laboratory Corporation of America, LabCorp
Classification: Uncertain significance. Last evaluated: 2022-05-23. Review status: criteria provided, single submitter. Criteria: LabCorp Variant Classification Summary - May 2015. Collection method: clinical testing. Allele origin: germline.
Comment: Variant summary: MSH6 c.257C>T (p.Thr86Ile) results in a non-conservative amino acid change in the encoded protein sequence. Three of five in-silico tools predict a benign effect of the variant on protein function. The variant was absent in 44770 control chromosomes. The available data on variant occurrences in the general population are insufficient to allow any conclusion about variant significance. c.257C>T has been reported in the literature in an individual with MMR-proficient, early-onset colorectal cancer (Pearlman_2017) and glioblastoma (Vaubel_2020), however these reports do not provide unequivocal conclusions about association of the variant with Lynch Syndrome. To our knowledge, no experimental evidence demonstrating an impact on protein function has been reported. Five clinical diagnostic laboratories have submitted clinical-significance assessments for this variant to ClinVar after 2014 without evidence for independent evaluation. Four laboratories classified the variant as VUS and one as likely benign. Based on the evidence outlined above, the variant was classified as uncertain significance.

Quest Diagnostics Nichols Institute San Juan Capistrano
Classification: Uncertain significance. Last evaluated: 2021-01-07. Review status: criteria provided, single submitter. Criteria: Quest Diagnostics criteria. Collection method: clinical testing. Allele origin: unknown.

Color Diagnostics, LLC DBA Color Health
Classification: Likely benign for Hereditary cancer-predisposing syndrome. Last evaluated: 2016-01-12. Review status: criteria provided, single submitter. Criteria: ACMG Guidelines, 2015. Collection method: clinical testing. Allele origin: germline.

Literature cited by the submitters: PubMed 27978560 (cited by 3 submitters); PubMed 31852831 (cited by Women's Health and Genetics/Laboratory Corporation of America, LabCorp).

NM_000179.3(MSH6):c.257C>T (p.Thr86Ile)

Genes: MSH6 (mutS homolog 6; plus strand), LOC129933707 (ATAC-STARR-seq lymphoblastoid silent region 11468; plus strand). Cytogenetic location: 2p16.3.
Variant type: single nucleotide variant.
Coding change: c.257C>T on transcript NM_000179.3 (MANE Select); coding-DNA position 257, C replaced by T.
Protein change: p.Thr86Ile; replaces threonine 86 with isoleucine.
Molecular consequence: missense variant. On other transcripts: 5 prime UTR variant (1), intron variant (1).
Genome position (GRCh38, 1-based): chr2:47,783,490, C>T. VCF-style: chr2-47783490-C-T. GRCh37 (hg19) VCF-style: chr2-48010629-C-T.
Other names: c.-480C>T (NM_001281493.2); c.237+20C>T (NM_001281492.2); short protein forms T86I.
Identifiers: ClinVar variation 480918 (VCV000480918.28), dbSNP rs768444916, ClinGen allele CA46688635.